The following is an entry in ClinVar:

ClinVar aggregate classification (germline): Pathogenic. Review status: criteria provided, multiple submitters, no conflicts (2 of 4 stars). 4 submissions from 4 submitters: Pathogenic (4). Last evaluated 2021-03-15.

Conditions:
Hereditary breast ovarian cancer syndrome. Also called: Breast and ovarian cancer; Hereditary breast and/or ovarian cancer syndrome; BRCA1- and BRCA2-Associated Hereditary Breast and Ovarian Cancer; Hereditary breast and ovarian cancer syndrome; Hereditary breast and ovarian cancer syndrome (HBOC); Hereditary breast and ovarian cancer. Identifiers: Orphanet 145, MedGen C0677776, MeSH D061325, MONDO:0003582. Disease mechanism: loss of function.
Familial cancer of breast. Also called: BREAST CANCER, FAMILIAL; Hereditary breast cancer; hereditary breast carcinoma. Identifiers: Orphanet 227535, MedGen C0346153, MONDO:0016419, OMIM 114480. Disease mechanism: loss of function.
Breast-ovarian cancer, familial, susceptibility to, 1 (BROVCA1). Also called: BRCA1 Hereditary Breast and Ovarian Cancer; OVARIAN CANCER, SUSCEPTIBILITY TO. Identifiers: Orphanet 145, MedGen C2676676, MONDO:0011450, OMIM 604370. Disease mechanism: loss of function.
Pancreatic cancer, susceptibility to, 4. Identifiers: Orphanet 1333, MedGen C3280442, MONDO:0013685, OMIM 614320.
Fanconi anemia, complementation group S (FANCS). Identifiers: MedGen C4554406, MONDO:0054748, OMIM 617883.
Hereditary cancer-predisposing syndrome. Also called: Tumor predisposition; Hereditary Cancer Syndrome; Hereditary neoplastic syndrome; Neoplastic Syndromes, Hereditary. Identifiers: Orphanet 140162, MedGen C0027672, MeSH D009386, MONDO:0015356.

Submissions (5):

Ambry Genetics
Classification: Pathogenic for Hereditary cancer-predisposing syndrome. Last evaluated: 2021-03-15. Review status: criteria provided, single submitter. Criteria: Ambry Variant Classification Scheme 2023. Collection method: clinical testing. Allele origin: germline.
Comment: The p.C39* pathogenic mutation (also known as c.117T>A), located in coding exon 2 of the BRCA1 gene, results from a T to A substitution at nucleotide position 117. This changes the amino acid from a cysteine to a stop codon within coding exon 2. One functional study found that this nucleotide substitution is deleterious in a high throughput genome editing haploid cell survival assay (Findlay GM et al. Nature. 2018 10;562:217-222). A different alteration resulting in the same stop codon (referred to as either c.117_118delTG or 236_237delTG) has been reported as pathogenic in a family with early onset female breast and ovarian cancers (Osorio A et al. Br. J. Cancer. 2000 Apr;82:1266-70; D&iacute;ez O et al. Hum Mutat. 2003 Oct;22:301-12; Brown A et al. Sultan Qaboos Univ Med J. 2019 Nov;19:e324-e334). This variant was not reported in population-based cohorts in the Genome Aggregation Database (gnomAD). In addition to the clinical data presented in the literature, this alteration is expected to result in loss of function by premature protein truncation or nonsense-mediated mRNA decay. As such, this alteration is interpreted as a disease-causing mutation.

Labcorp Genetics (formerly Invitae), Labcorp
Classification: Pathogenic for Hereditary breast ovarian cancer syndrome. Last evaluated: 2020-07-15. Review status: criteria provided, single submitter. Criteria: Invitae Variant Classification Sherloc (09022015). Collection method: clinical testing. Allele origin: germline.
Comment: A different variant (c.117_118del) giving rise to the same protein effect observed here (p.Cys39*) has been determined to be pathogenic (PMID: 27062684). This suggests that this variant is also likely to be causative of disease. This sequence change creates a premature translational stop signal (p.Cys39*) in the BRCA1 gene. It is expected to result in an absent or disrupted protein product. This variant is not present in population databases (ExAC no frequency). This variant has not been reported in the literature in individuals with BRCA1-related conditions. ClinVar contains an entry for this variant (Variation ID: 479243). Loss-of-function variants in BRCA1 are known to be pathogenic (PMID: 20104584). For these reasons, this variant has been classified as Pathogenic.

Fulgent Genetics
Classification: Pathogenic for Familial cancer of breast; Breast-ovarian cancer, familial, susceptibility to, 1; Pancreatic cancer, susceptibility to, 4; Fanconi anemia, complementation group S. Last evaluated: 2018-10-31. Review status: criteria provided, single submitter. Criteria: ACMG Guidelines, 2015. Collection method: clinical testing. Allele origin: unknown.

Women's Health and Genetics/Laboratory Corporation of America, LabCorp
Classification: Pathogenic for Hereditary breast and ovarian cancer syndrome. Last evaluated: 2017-10-20. Review status: criteria provided, single submitter. Criteria: LabCorp Variant Classification Summary - May 2015. Collection method: clinical testing. Allele origin: germline.
Comment: Variant summary: The BRCA1 c.117T>A (p.Cys39X) variant results in a premature termination codon, predicted to cause a truncated or absent BRCA1 protein due to nonsense mediated decay, which are commonly known mechanisms for disease. This variant is absent in 245588 control chromosomes. The variant of interest has not, to our knowledge, been reported as a germline variant in affected individuals via publications and/or reputable databases/clinical diagnostic laboratories. However, another variant affecting the same codon, c.117_118delTG, and leading to the same change on the protein level, p. Cys39*, has been reported in multiple affected individuals in published reportes as causative variant and cited as "pathogenic" by reputable reputable databases/clinical diagnostic laboratorie. Taken together, this variant is classified as pathogenic.

Brotman Baty Institute, University of Washington
No classification provided (evidence only). Condition: Breast-ovarian cancer, familial 1. Review status: no classification provided. Collection method: in vitro. Allele origin: not applicable. Functional consequence: functionally_abnormal. Not counted in ClinVar's aggregate classification.
ClinVar note: "not provided" was previously submitted as the classification for the variant. However, the classification appeared to be based only on an observation of functional data so it was converted to no classification on 2025-07-30.

Literature cited by the submitters: PubMed 10755399 (cited by Ambry Genetics); PubMed 12955716 (cited by Ambry Genetics); PubMed 30209399 (cited by Ambry Genetics); PubMed 31897316 (cited by Ambry Genetics); PubMed 27062684 (cited by Labcorp Genetics (formerly Invitae), Labcorp); PubMed 20104584 (cited by Labcorp Genetics (formerly Invitae), Labcorp); PubMed 26182302 (cited by Women's Health and Genetics/Laboratory Corporation of America, LabCorp).

NM_007294.4(BRCA1):c.117T>A (p.Cys39Ter)

Gene: BRCA1 (BRCA1 DNA repair associated; minus strand). Cytogenetic location: 17q21.31.
Variant type: single nucleotide variant.
Coding change: c.117T>A on transcript NM_007294.4 (MANE Select); coding-DNA position 117, T replaced by A.
Protein change: p.Cys39Ter; replaces cysteine 39 with a stop codon.
Molecular consequence: nonsense. On other transcripts: non-coding transcript variant (1), intron variant (1).
Genome position (GRCh38, 1-based): chr17:43,115,743, A>T on the plus strand (T>A on the coding strand, the complement: BRCA1 is on the minus strand). VCF-style: chr17-43115743-A-T. GRCh37 (hg19) VCF-style: chr17-41267760-A-T.
Other names: c.-25T>A (NM_001407725.1, NM_001407728.1, NM_001407729.1 and 47 more transcripts); c.-141T>A (NM_001407727.1, NM_001407731.1, NM_001407733.1 and 13 more transcripts); c.-21T>A (NM_001407841.1); c.-72T>A (NM_001407853.1, NM_001407879.1, NM_001407882.1 and 52 more transcripts); c.117T>A, p.Cys39Ter (NM_001407854.1, NM_001407858.1, NM_001407859.1 and 192 more transcripts); c.-188T>A (NM_001407889.1, NM_001407900.1, NM_001408492.1); c.-187T>A (NM_001407960.1, NM_001407962.1, NM_001408510.1 and 1 more transcripts); c.-303T>A (NM_001407965.1); and 2 more; short protein forms C39*.
Identifiers: ClinVar variation 479243 (VCV000479243.19), dbSNP rs886040898, ClinGen allele CA10601926.